The following is an entry in ClinVar:

NM_006180.6(NTRK2):c.2173-3del

Gene: NTRK2 (neurotrophic receptor tyrosine kinase 2; plus strand). Cytogenetic location: 9q21.33.
Variant type: Deletion.
Coding change: c.2173-3del on transcript NM_006180.6 (MANE Select); 3 bases into the intron before coding-DNA position 2173, one base deleted (C; older notation c.2173-3delC).
Molecular consequence: intron variant.
Genome position (GRCh38, 1-based): chr9:85,020,203, C deleted; the last of 4 consecutive C bases (chr9:85,020,200-85,020,203); deleting any one gives the same sequence. VCF-style (leftmost placement, unchanged base first): chr9-85020199-TC-T. GRCh37 (hg19) VCF-style: chr9-87635114-TC-T.
Other names: c.2125-3del (NM_001369532.1, NM_001369533.1, NM_001018064.3); c.2089-3del (NM_001369534.1); c.1705-3del (NM_001369536.1); c.1657-3del (NM_001369535.1); c.2173-3delC (NM_006180.4).
Identifiers: ClinVar variation 1628669 (VCV001628669.9), dbSNP rs1442849861, ClinGen allele CA589125171.

ClinVar aggregate classification (germline): Benign. Review status: criteria provided, single submitter (1 of 4 stars). 2 submissions from 2 submitters: Benign (1). 1 of the submissions does not count toward it. Last evaluated 2026-01-21.

Conditions:
NTRK2-related disorder. Also called: NTRK2-related condition.

Submissions (2):

Labcorp Genetics (formerly Invitae), Labcorp
Classification: Benign. Last evaluated: 2026-01-21. Review status: criteria provided, single submitter. Criteria: Invitae Variant Classification Sherloc (09022015). Collection method: clinical testing. Allele origin: germline.

PreventionGenetics, part of Exact Sciences
Classification: Likely benign for NTRK2-related condition. Last evaluated: 2020-08-31. Review status: no assertion criteria provided. Collection method: clinical testing. Allele origin: germline. Not counted in ClinVar's aggregate classification.
Comment: This variant is classified as likely benign based on ACMG/AMP sequence variant interpretation guidelines (Richards et al. 2015 PMID: 25741868, with internal and published modifications).